The following is an entry in ClinVar:

NM_001083926.2(ASRGL1):c.379G>A (p.Ala127Thr)

Gene: ASRGL1 (asparaginase and isoaspartyl peptidase 1; plus strand). Cytogenetic location: 11q12.3.
Variant type: single nucleotide variant.
Coding change: c.379G>A on transcript NM_001083926.2 (MANE Select); coding-DNA position 379, G replaced by A.
Protein change: p.Ala127Thr; replaces alanine 127 with threonine.
Molecular consequence: missense variant.
Genome position (GRCh38, 1-based): chr11:62,357,032, G>A. VCF-style: chr11-62357032-G-A. GRCh37 (hg19) VCF-style: chr11-62124504-G-A.
Other names: c.379G>A, p.Ala127Thr (NM_025080.4); short protein forms A127T.
Identifiers: ClinVar variation 1366783 (VCV001366783.8), dbSNP rs934405766, ClinGen allele CA223011816.

ClinVar aggregate classification (germline): Uncertain significance (1 of 4 stars; one submission).

Allele frequency attached by ClinVar (database versions not stated): gnomAD 0.00002; TOPMed 0.00002.
gnomAD v4.1: 4 of 1,613,928 alleles (0.00025%); highest among the groups gnomAD compares: African/African-American, 0.004%; no homozygotes.

Submission:

Labcorp Genetics (formerly Invitae), Labcorp
Classification: Uncertain significance. Last evaluated: 2025-06-06. Review status: criteria provided, single submitter. Criteria: Invitae Variant Classification Sherloc (09022015). Collection method: clinical testing. Allele origin: germline.
Comment: This sequence change replaces alanine, which is neutral and non-polar, with threonine, which is neutral and polar, at codon 127 of the ASRGL1 protein (p.Ala127Thr). This variant is not present in population databases (gnomAD no frequency). This variant has not been reported in the literature in individuals affected with ASRGL1-related conditions. ClinVar contains an entry for this variant (Variation ID: 1366783). An algorithm developed to predict the effect of missense changes on protein structure and function outputs the following: PolyPhen-2: "Benign". The threonine amino acid residue is found in multiple mammalian species, which suggests that this missense change does not adversely affect protein function. In summary, the available evidence is currently insufficient to determine the role of this variant in disease. Therefore, it has been classified as a Variant of Uncertain Significance.